The following is an entry in ClinVar:

NM_004304.5(ALK):c.4469A>G (p.His1490Arg)

Gene: ALK (ALK receptor tyrosine kinase; minus strand). Cytogenetic location: 2p23.2.
Variant type: single nucleotide variant.
Coding change: c.4469A>G on transcript NM_004304.5 (MANE Select); coding-DNA position 4469, A replaced by G.
Protein change: p.His1490Arg; replaces histidine 1490 with arginine.
Molecular consequence: missense variant.
Genome position (GRCh38, 1-based): chr2:29,193,618, T>C on the plus strand (A>G on the coding strand, the complement: ALK is on the minus strand). VCF-style: chr2-29193618-T-C. GRCh37 (hg19) VCF-style: chr2-29416484-T-C.
Other names: c.1265A>G, p.His422Arg (NM_001353765.2); short protein forms H422R, H1490R.
Identifiers: ClinVar variation 2744322 (VCV002744322.3), dbSNP rs2148138212, ClinGen allele CA346461985.

ClinVar aggregate classification (germline): Uncertain significance (1 of 4 stars; one submission).

Conditions:
Neuroblastoma, susceptibility to, 3. Also called: ALK-Related Neuroblastic Tumor Susceptibility. Identifiers: Orphanet 635, MedGen C2751681, MONDO:0013083, OMIM 613014.

Submission:

Labcorp Genetics (formerly Invitae), Labcorp
Classification: Uncertain significance for Neuroblastoma, susceptibility to, 3. Last evaluated: 2023-05-28. Review status: criteria provided, single submitter. Criteria: Invitae Variant Classification Sherloc (09022015). Collection method: clinical testing. Allele origin: germline.
Comment: This sequence change replaces histidine, which is basic and polar, with arginine, which is basic and polar, at codon 1490 of the ALK protein (p.His1490Arg). This variant is not present in population databases (gnomAD no frequency). This variant has not been reported in the literature in individuals affected with ALK-related conditions. Algorithms developed to predict the effect of missense changes on protein structure and function output the following: SIFT: "Not Available"; PolyPhen-2: "Benign"; Align-GVGD: "Not Available". The arginine amino acid residue is found in multiple mammalian species, which suggests that this missense change does not adversely affect protein function. In summary, the available evidence is currently insufficient to determine the role of this variant in disease. Therefore, it has been classified as a Variant of Uncertain Significance.